The following is an entry in ClinVar:

ClinVar aggregate classification (germline): Uncertain significance (1 of 4 stars; one submission).

Conditions:
Spastic paraplegia. Identifiers: MedGen C0037772, HP:0001258.

Submission:

Labcorp Genetics (formerly Invitae), Labcorp
Classification: Uncertain significance for Spastic paraplegia. Last evaluated: 2024-10-25. Review status: criteria provided, single submitter. Criteria: Invitae Variant Classification Sherloc (09022015). Collection method: clinical testing. Allele origin: germline.
Comment: This sequence change replaces methionine, which is neutral and non-polar, with leucine, which is neutral and non-polar, at codon 514 of the AP4E1 protein (p.Met514Leu). This variant is not present in population databases (gnomAD no frequency). This variant has not been reported in the literature in individuals affected with AP4E1-related conditions. ClinVar contains an entry for this variant (Variation ID: 1486546). An algorithm developed to predict the effect of missense changes on protein structure and function (PolyPhen-2) suggests that this variant is likely to be tolerated. In summary, the available evidence is currently insufficient to determine the role of this variant in disease. Therefore, it has been classified as a Variant of Uncertain Significance.

NM_007347.5(AP4E1):c.1540A>C (p.Met514Leu)

Gene: AP4E1 (adaptor related protein complex 4 subunit epsilon 1; plus strand). Cytogenetic location: 15q21.2.
Variant type: single nucleotide variant.
Coding change: c.1540A>C on transcript NM_007347.5 (MANE Select); coding-DNA position 1540, A replaced by C.
Protein change: p.Met514Leu; replaces methionine 514 with leucine.
Molecular consequence: missense variant.
Genome position (GRCh38, 1-based): chr15:50,950,161, A>C. VCF-style: chr15-50950161-A-C. GRCh37 (hg19) VCF-style: chr15-51242358-A-C.
Other names: c.1315A>C, p.Met439Leu (NM_001252127.2); short protein forms M514L, M439L.
Identifiers: ClinVar variation 1486546 (VCV001486546.6), dbSNP rs2140862724, ClinGen allele CA392418183.